The following is an entry in ClinVar:

ClinVar aggregate classification (germline): Uncertain significance (1 of 4 stars; one submission).

Conditions:
Alstrom syndrome (ALMS). Identifiers: Orphanet 64, MedGen C0268425, MONDO:0008763, OMIM 203800.

Allele frequency attached by ClinVar (database versions not stated): gnomAD exomes 0.00001; ExAC 0.00002.
gnomAD v4.1: 4 of 1,614,218 alleles (0.00025%); highest among the groups gnomAD compares: Admixed American, 0.0033%; no homozygotes.

Submission:

Labcorp Genetics (formerly Invitae), Labcorp
Classification: Uncertain significance for Alstrom syndrome. Last evaluated: 2024-01-15. Review status: criteria provided, single submitter. Criteria: Invitae Variant Classification Sherloc (09022015). Collection method: clinical testing. Allele origin: germline.
Comment: This sequence change replaces glutamine, which is neutral and polar, with lysine, which is basic and polar, at codon 4074 of the ALMS1 protein (p.Gln4074Lys). This variant is present in population databases (rs774835325, gnomAD 0.006%). This variant has not been reported in the literature in individuals affected with ALMS1-related conditions. ClinVar contains an entry for this variant (Variation ID: 1481662). Experimental studies and prediction algorithms are not available or were not evaluated, and the functional significance of this variant is currently unknown. In summary, the available evidence is currently insufficient to determine the role of this variant in disease. Therefore, it has been classified as a Variant of Uncertain Significance.

NM_001378454.1(ALMS1):c.12217C>A (p.Gln4073Lys)

Genes: ALMS1 (ALMS1 centrosome and basal body associated protein; plus strand), LOC126806252 (BRD4-independent group 4 enhancer GRCh37_chr2:73828496-73829695; plus strand). Cytogenetic location: 2p13.1.
Variant type: single nucleotide variant.
Coding change: c.12217C>A on transcript NM_001378454.1 (MANE Select); coding-DNA position 12217, C replaced by A.
Protein change: p.Gln4073Lys; replaces glutamine 4073 with lysine.
Molecular consequence: missense variant.
Genome position (GRCh38, 1-based): chr2:73,602,287, C>A. VCF-style: chr2-73602287-C-A. GRCh37 (hg19) VCF-style: chr2-73829414-C-A.
Other names: c.12220C>A, p.Gln4074Lys (NM_015120.4); short protein forms Q4074K, Q4073K.
Identifiers: ClinVar variation 1481662 (VCV001481662.4), dbSNP rs774835325, ClinGen allele CA1715481.
Genomic context (GRCh38, chr2:73,602,287, plus strand): 5'-GGGGAGCGGATAAAGCGCCTGAAGTTAATAGTCCAGGAGAGGAAGCTGCAGAGCATGTTA[C>A]AGACCGAGCGGGATGCACTATTCAACATTGACAGGGAACGGCAGGGCCACCAGAATCGCA-3'
Protein context (NP_001365383.1, residues 4063-4083): VQERKLQSML[Gln4073Lys]TERDALFNID